The following is an entry in ClinVar:

NM_007194.4(CHEK2):c.1180G>T (p.Glu394Ter)

Gene: CHEK2 (checkpoint kinase 2; minus strand). Cytogenetic location: 22q12.1.
Variant type: single nucleotide variant.
Coding change: c.1180G>T on transcript NM_007194.4 (MANE Select); coding-DNA position 1180, G replaced by T.
Protein change: p.Glu394Ter; replaces glutamic acid 394 with a stop codon.
Molecular consequence: nonsense.
Genome position (GRCh38, 1-based): chr22:28,695,789, C>A on the plus strand (G>T on the coding strand, the complement: CHEK2 is on the minus strand). VCF-style: chr22-28695789-C-A. GRCh37 (hg19) VCF-style: chr22-29091777-C-A.
Other names: c.1309G>T, p.Glu437Ter (NM_001005735.3); c.517G>T, p.Glu173Ter (NM_001257387.3); c.979G>T, p.Glu327Ter (NM_001349956.3); c.1093G>T, p.Glu365Ter (NM_145862.3); short protein forms E327*, E437*, E173*, E365*, E394*.
Identifiers: ClinVar variation 818508 (VCV000818508.7), dbSNP rs587780169, ClinGen allele CA411096811.

ClinVar aggregate classification (germline): Pathogenic. Review status: criteria provided, multiple submitters, no conflicts (2 of 4 stars). 3 submissions from 3 submitters: Pathogenic (3). Last evaluated 2024-07-18.

Conditions:
Familial cancer of breast. Also called: hereditary breast carcinoma; Hereditary breast cancer; BREAST CANCER, FAMILIAL. Identifiers: Orphanet 227535, MedGen C0346153, MONDO:0016419, OMIM 114480. Disease mechanism: loss of function.
Hereditary cancer-predisposing syndrome. Also called: Tumor predisposition; Hereditary neoplastic syndrome; Neoplastic Syndromes, Hereditary; Hereditary Cancer Syndrome. Identifiers: Orphanet 140162, MedGen C0027672, MeSH D009386, MONDO:0015356.
Hereditary breast ovarian cancer syndrome. Also called: Hereditary breast and ovarian cancer syndrome (HBOC); Breast and ovarian cancer; BRCA1- and BRCA2-Associated Hereditary Breast and Ovarian Cancer; Hereditary breast and/or ovarian cancer syndrome; Hereditary breast and ovarian cancer syndrome; Hereditary breast and ovarian cancer. Identifiers: Orphanet 145, MedGen C0677776, MeSH D061325, MONDO:0003582. Disease mechanism: loss of function.

Submissions (3):

Women's Health and Genetics/Laboratory Corporation of America, LabCorp
Classification: Pathogenic for Hereditary breast ovarian cancer syndrome. Last evaluated: 2024-07-18. Review status: criteria provided, single submitter. Criteria: LabCorp Variant Classification Summary - May 2015. Collection method: clinical testing. Allele origin: germline.
Comment: Variant summary: CHEK2 c.1180G>T (p.Glu394X) results in a premature termination codon, predicted to cause absence of the protein due to nonsense mediated decay, which is a commonly known mechanism for disease. The variant was absent in 251066 control chromosomes. To our knowledge, no occurrence of c.1180G>T in individuals affected with Hereditary Breast And Ovarian Cancer Syndrome and no experimental evidence demonstrating its impact on protein function have been reported. ClinVar contains an entry for this variant (Variation ID: 818508). Based on the evidence outlined above, the variant was classified as pathogenic.

Myriad Genetics, Inc.
Classification: Pathogenic for Familial cancer of breast. Last evaluated: 2023-06-28. Review status: criteria provided, single submitter. Criteria: Myriad Autosomal Dominant, Autosomal Recessive and X-Linked Classification Criteria (2023). Collection method: clinical testing. Allele origin: unknown.
Comment: This variant is considered pathogenic. This variant creates a termination codon and is predicted to result in premature protein truncation.

Ambry Genetics
Classification: Pathogenic for Hereditary cancer-predisposing syndrome. Last evaluated: 2019-06-07. Review status: criteria provided, single submitter. Criteria: Ambry Variant Classification Scheme 2023. Collection method: clinical testing. Allele origin: germline.
Comment: The p.E394* pathogenic mutation (also known as c.1180G>T), located in coding exon 10 of the CHEK2 gene, results from a G to T substitution at nucleotide position 1180. This changes the amino acid from a glutamic acid to a stop codon within coding exon 10. This alteration is expected to result in loss of function by premature protein truncation or nonsense-mediated mRNA decay. As such, this alteration is interpreted as a disease-causing mutation.